The following is an entry in ClinVar:

NM_000535.7(PMS2):c.247_250dup (p.Thr84fs)

Gene: PMS2 (PMS1 homolog 2, mismatch repair system component; minus strand). Cytogenetic location: 7p22.1.
Variant type: Duplication.
Coding change: c.247_250dup on transcript NM_000535.7 (MANE Select); coding-DNA positions 247 to 250, 4 bases duplicated (TTAA; older notation c.247_250dupTTAA).
Protein change: p.Thr84fs; shifts the reading frame from threonine 84.
Molecular consequence: frameshift variant. On other transcripts: 5 prime UTR variant (9), nonsense (2), inframe insertion (2), non-coding transcript variant (1).
Genome position (GRCh38, 1-based): chr7:6,003,972-6,003,975, TTAA duplicated on the plus strand (TTAA on the coding strand, the reverse complement: PMS2 is on the minus strand). VCF-style (leftmost placement, unchanged base first): chr7-6003971-C-CTTAA. GRCh37 (hg19) VCF-style: chr7-6043602-C-CTTAA.
Other names: c.-159_-156dup (NM_001322003.2, NM_001322004.2, NM_001322005.2 and 3 more transcripts); c.247_250dup, p.Thr84fs (NM_001322006.2, NM_001322014.2); c.32_35dup, p.Asn12_Asp13insTer (NM_001322007.2, NM_001322008.2); c.-638_-635dup (NM_001322011.2, NM_001322012.2); c.-238_-235dup (NM_001322015.2); short protein forms T84fs.
Identifiers: ClinVar variation 420580 (VCV000420580.14), dbSNP rs1554304940, ClinGen allele CA16618538.

ClinVar aggregate classification (germline): Pathogenic. Review status: criteria provided, multiple submitters, no conflicts (2 of 4 stars). 6 submissions from 6 submitters: Pathogenic (6). Last evaluated 2024-01-04.

Conditions:
Lynch syndrome. Identifiers: Orphanet 144, MedGen C4552100, MONDO:0005835. Disease mechanism: loss of function.
Lynch syndrome 4 (LYNCH4). Also called: Hereditary non-polyposis colorectal cancer, type 4; Colorectal cancer, hereditary nonpolyposis, type 4. Identifiers: Orphanet 144, MedGen C1838333, MONDO:0013699, OMIM 614337. Disease mechanism: loss of function.
Hereditary nonpolyposis colorectal neoplasms. Identifiers: MedGen C0009405, MeSH D003123.
Hereditary cancer-predisposing syndrome. Also called: Hereditary neoplastic syndrome; Tumor predisposition; Neoplastic Syndromes, Hereditary; Hereditary Cancer Syndrome. Identifiers: Orphanet 140162, MedGen C0027672, MeSH D009386, MONDO:0015356.

Allele frequency attached by ClinVar (database versions not stated): gnomAD exomes below 0.00001.

Submissions (6):

All of Us Research Program, National Institutes of Health
Classification: Pathogenic for Lynch syndrome. Last evaluated: 2024-01-04. Review status: criteria provided, single submitter. Criteria: ACMG Guidelines, 2015. Collection method: clinical testing. Allele origin: germline. Inheritance: Autosomal dominant inheritance. Observed: 1 variant allele, 1 heterozygote.
Comment: This variant is predicted to result in loss of protein function through nonsense-mediated decay or protein truncation. Loss of function is an established mechanism of disease. This variant has been reported in multiple individuals with PMS2-related cancer (PMID: 25871621, 33693762, 34873870). It has also been reported in the compound heterozygous state with another PMS2 variant in a child with constitutional mismatch repair deficiency (PMID: 29904176, 34964038). This variant is absent from large population databases, including the Genome Aggregation Database.

This study involves interpretation of variants in research participants for the purpose of population health screening. Participant phenotype was not available at the time of variant classification. Additional details can be found in publication PMID: 35346344, PMCID: PMC8962531

Myriad Genetics, Inc.
Classification: Pathogenic for Lynch syndrome 4. Last evaluated: 2023-09-18. Review status: criteria provided, single submitter. Criteria: Myriad Autosomal Dominant, Autosomal Recessive and X-Linked Classification Criteria (2023). Collection method: clinical testing. Allele origin: unknown.
Comment: This variant is considered pathogenic. This variant creates a frameshift predicted to result in premature protein truncation.

Labcorp Genetics (formerly Invitae), Labcorp
Classification: Pathogenic for Hereditary nonpolyposis colorectal neoplasms. Last evaluated: 2022-07-25. Review status: criteria provided, single submitter. Criteria: Invitae Variant Classification Sherloc (09022015). Collection method: clinical testing. Allele origin: germline.
Comment: This premature translational stop signal has been observed in individual(s) with Lynch Syndrome (PMID: 25871621). This variant is not present in population databases (gnomAD no frequency). This sequence change creates a premature translational stop signal (p.Thr84Ilefs*9) in the PMS2 gene. It is expected to result in an absent or disrupted protein product. Loss-of-function variants in PMS2 are known to be pathogenic (PMID: 21376568, 24362816). ClinVar contains an entry for this variant (Variation ID: 420580). For these reasons, this variant has been classified as Pathogenic. Algorithms developed to predict the effect of sequence changes on RNA splicing suggest that this variant may disrupt the consensus splice site.

Revvity Omics, Revvity
Classification: Pathogenic. Last evaluated: 2021-04-30. Review status: criteria provided, single submitter. Criteria: ACMG Guidelines, 2015. Collection method: clinical testing. Allele origin: germline.

Ambry Genetics
Classification: Pathogenic for Hereditary cancer-predisposing syndrome. Last evaluated: 2020-09-25. Review status: criteria provided, single submitter. Criteria: Ambry Variant Classification Scheme 2023. Collection method: clinical testing. Allele origin: germline.
Comment: The c.247_250dupTTAA pathogenic mutation, located in coding exon 3 of the PMS2 gene, results from a duplication of TTAA at nucleotide position 247, causing a translational frameshift with a predicted alternate stop codon (p.T84Ifs*9). This mutation has been reported in multiple individuals with a personal history of endometrial cancer, with at least one patient's tumor demonstrating microsatellite instability (MSI-H) and loss of PMS2 expression on immunohistochemistry (IHC) (Dudley B et al. Am. J. Surg. Pathol., 2015 Aug;39:1114-20; van der Klift HM et al. Hum. Mutat., 2016 11;37:1162-1179; Roberts ME et al. Genet. Med., 2018 10;20:1167-1174). This mutation was reported 1/130 European families with PMS2 mutations meeting either Bethesda criteria or "MSI-testing-indicated-by-a-pathologist" criteria (Suerink M et al. Genet. Med., 2016 Apr;18:405-9). This mutation has also been reported in the compound heterozygous state with another PMS2 mutation in a patient with constitutional mismatch repair deficiency (CMMRD) (Leenders EKSM et al. Eur. J. Hum. Genet., 2018 10;26:1417-1423). In addition to the clinical data presented in the literature, this alteration is expected to result in loss of function by premature protein truncation or nonsense-mediated mRNA decay. As such, this alteration is interpreted as a disease-causing mutation.

GeneDx
Classification: Pathogenic. Last evaluated: 2016-06-06. Review status: criteria provided, single submitter. Criteria: GeneDx Variant Classification (06012015). Collection method: clinical testing. Allele origin: germline. Affected: yes.
Comment: This duplication of 4 nucleotides in PMS2 is denoted c.247_250dupTTAA at the cDNA level and p.Thr84IlefsX9 (T84IfsX9) at the protein level. The normal sequence, with the bases that are duplicated in braces, is AGGC[TTAA]GTAA. The duplication causes a frameshift which changes a Threonine to an Isoleucine at codon 84, and creates a premature stop codon at position 9 of the new reading frame. This variant is predicted to cause loss of normal protein function through either protein truncation or nonsense-mediated mRNA decay. PMS2 c.247_250dupTTAA has been identified in individuals with Lynch syndrome-associated cancers, with tumor testing in at least one of these individuals showing microsatellite instability (MSI-H) and loss of PMS2 protein expression (Dudley 2015, Suerink 2015). We consider this variant to be pathogenic.

Literature cited by the submitters: PubMed 25871621 (cited by 3 submitters); PubMed 29904176 (cited by All of Us Research Program, National Institutes of Health and Ambry Genetics); PubMed 33693762 (cited by All of Us Research Program, National Institutes of Health); PubMed 34873870 (cited by All of Us Research Program, National Institutes of Health); PubMed 34964038 (cited by All of Us Research Program, National Institutes of Health); PubMed 21376568 (cited by Labcorp Genetics (formerly Invitae), Labcorp); PubMed 24362816 (cited by Labcorp Genetics (formerly Invitae), Labcorp); PubMed 26110232 (cited by Ambry Genetics); PubMed 27435373 (cited by Ambry Genetics); PubMed 29345684 (cited by Ambry Genetics).